The following is an entry in ClinVar:

ClinVar aggregate classification (germline): Uncertain significance (1 of 4 stars; one submission).

Submission:

Labcorp Genetics (formerly Invitae), Labcorp
Classification: Uncertain significance. Last evaluated: 2025-10-26. Review status: criteria provided, single submitter. Criteria: Invitae Variant Classification Sherloc (09022015). Collection method: clinical testing. Allele origin: germline.
Comment: This sequence change falls in intron 1 of the NEDD4L gene. It does not directly change the encoded amino acid sequence of the NEDD4L protein. It affects a nucleotide within the consensus splice site. This variant is not present in population databases (gnomAD no frequency). This variant has not been reported in the literature in individuals affected with NEDD4L-related conditions. ClinVar contains an entry for this variant (Variation ID: 2838900). Variants that disrupt the consensus splice site are a relatively common cause of aberrant splicing (PMID: 17576681, 9536098). Algorithms developed to predict the effect of sequence changes on RNA splicing suggest that this variant is not likely to affect RNA splicing. In summary, the available evidence is currently insufficient to determine the role of this variant in disease. Therefore, it has been classified as a Variant of Uncertain Significance.

Literature cited by the submitters: PubMed 17576681; PubMed 9536098.

NM_001144967.3(NEDD4L):c.48+3G>A

Genes: NEDD4L (NEDD4 like E3 ubiquitin protein ligase; plus strand), LOC130062568 (ATAC-STARR-seq lymphoblastoid silent region 9483; plus strand). Cytogenetic location: 18q21.31.
Variant type: single nucleotide variant.
Coding change: c.48+3G>A on transcript NM_001144967.3 (MANE Select); 3 bases into the intron after coding-DNA position 48, G replaced by A.
Molecular consequence: intron variant.
Genome position (GRCh38, 1-based): chr18:58,044,711, G>A. VCF-style: chr18-58044711-G-A. GRCh37 (hg19) VCF-style: chr18-55711943-G-A.
Other names: c.48+3G>A (NM_015277.6, NM_001243960.2).
Identifiers: ClinVar variation 2838900 (VCV002838900.3), dbSNP rs2511609584, ClinGen allele CA2739268761.